The following is an entry in ClinVar:

ClinVar aggregate classification (germline): Uncertain significance (1 of 4 stars; one submission).

Allele frequency attached by ClinVar (database versions not stated): gnomAD exomes below 0.00001.
gnomAD v4.1: 1 of 1,578,856 alleles (0.000063%); highest among the groups gnomAD compares: Non-Finnish European, 0.000087%; no homozygotes.

Submission:

Labcorp Genetics (formerly Invitae), Labcorp
Classification: Uncertain significance. Last evaluated: 2023-10-03. Review status: criteria provided, single submitter. Criteria: Invitae Variant Classification Sherloc (09022015). Collection method: clinical testing. Allele origin: germline.
Comment: This sequence change falls in intron 14 of the POLE gene. It does not directly change the encoded amino acid sequence of the POLE protein. It affects a nucleotide within the consensus splice site. This variant is not present in population databases (gnomAD no frequency). This variant has not been reported in the literature in individuals affected with POLE-related conditions. Variants that disrupt the consensus splice site are a relatively common cause of aberrant splicing (PMID: 17576681, 9536098). Studies have shown that this variant is associated with altered splicing resulting in multiple RNA products (Invitae). In summary, the available evidence is currently insufficient to determine the role of this variant in disease. Therefore, it has been classified as a Variant of Uncertain Significance.

Literature cited by the submitters: PubMed 17576681; PubMed 9536098.

NM_006231.4(POLE):c.1473+5G>A

Gene: POLE (DNA polymerase epsilon, catalytic subunit; minus strand). Cytogenetic location: 12q24.33.
Variant type: single nucleotide variant.
Coding change: c.1473+5G>A on transcript NM_006231.4 (MANE Select); 5 bases into the intron after coding-DNA position 1473, G replaced by A.
Molecular consequence: intron variant.
Genome position (GRCh38, 1-based): chr12:132,673,159, C>T on the plus strand (G>A on the coding strand, the complement: POLE is on the minus strand). VCF-style: chr12-132673159-C-T. GRCh37 (hg19) VCF-style: chr12-133249745-C-T.
Identifiers: ClinVar variation 3019774 (VCV003019774.3), dbSNP rs2135995568, ClinGen allele CA2575359246.